The following is an entry in ClinVar:

NM_025179.4(PLXNA2):c.2172G>T (p.Ala724=)

Gene: PLXNA2 (plexin A2; minus strand). Cytogenetic location: 1q32.2.
Variant type: single nucleotide variant.
Coding change: c.2172G>T on transcript NM_025179.4 (MANE Select); coding-DNA position 2172, G replaced by T.
Protein change: p.Ala724=; no amino-acid change (alanine 724 retained).
Molecular consequence: synonymous variant.
Genome position (GRCh38, 1-based): chr1:208,084,506, C>A on the plus strand (G>T on the coding strand, the complement: PLXNA2 is on the minus strand). VCF-style: chr1-208084506-C-A. GRCh37 (hg19) VCF-style: chr1-208257851-C-A.
Identifiers: ClinVar variation 4995454 (VCV004995454.1).
Genomic context (GRCh38, chr1:208,084,506, plus strand): 5'-TTGTATGTTGAGGACACACTCATAGCCTCGCTGGCCGGACTGCGGCTGGGGCAGATTTCG[C>A]GCCTTAAGGGTGATTGGCTTTACCTCCCCGACTGGAATCAAGATCTCCTCTGTGGGCACC-3'
Protein context (NP_079455.3, residues 714-734): VGEVKPITLK[Ala724=]RNLPQPQSGQ

ClinVar aggregate classification (germline): Likely benign (1 of 4 stars; one submission).

Conditions:
PLXNA2-related disorder. Also called: PLXNA2-related condition.

Submission:

PreventionGenetics, part of Exact Sciences
Classification: Likely benign for PLXNA2-related condition. Last evaluated: 2026-04-08. Review status: criteria provided, single submitter. Criteria: ACMG Guidelines, 2015. Collection method: clinical testing. Allele origin: germline.
Comment: This variant is classified as likely benign based on ACMG/AMP sequence variant interpretation guidelines (Richards et al. 2015 PMID: 25741868, with internal and published modifications).